The following is an entry in ClinVar:

ClinVar aggregate classification (germline): Conflicting classifications of pathogenicity. Review status: criteria provided, conflicting classifications (1 of 4 stars). 8 submissions from 8 submitters: Uncertain significance (4); Likely benign (4). Last evaluated 2026-02-03.

Conditions:
Primary ciliary dyskinesia. Also called: Ciliary dyskinesia. Identifiers: Orphanet 244, MedGen C0008780, MONDO:0016575, HP:0012265.
Primary ciliary dyskinesia 7. Also called: CILIARY DYSKINESIA, PRIMARY, 7, WITH OR WITHOUT SITUS INVERSUS. Identifiers: Orphanet 244, MedGen C2678473, MONDO:0012748, OMIM 611884.

Allele frequency attached by ClinVar (database versions not stated): ExAC 0.00134; ESP Exome Variant Server 0.00140; TOPMed 0.00159; gnomAD 0.00163; 1000 Genomes Project 30x 0.00250; 1000 Genomes Project 0.00260.
gnomAD v4.1: 2,045 of 1,552,168 alleles (0.13%); highest among the groups gnomAD compares: Middle Eastern, 0.41%; 1 homozygote.

Submissions (8):

Labcorp Genetics (formerly Invitae), Labcorp
Classification: Likely benign for Primary ciliary dyskinesia. Last evaluated: 2026-02-03. Review status: criteria provided, single submitter. Criteria: Invitae Variant Classification Sherloc (09022015). Collection method: clinical testing. Allele origin: germline.

CeGaT Center for Human Genetics Tuebingen
Classification: Likely benign. Last evaluated: 2026-02-01. Review status: criteria provided, single submitter. Criteria: CeGaT Center For Human Genetics Tuebingen Variant Classification Criteria Version 2. Collection method: clinical testing. Allele origin: germline. Affected: yes. Observed: 4 variant alleles.
Comment: DNAH11: BP4

GeneDx
Classification: Uncertain significance. Last evaluated: 2025-04-18. Review status: criteria provided, single submitter. Criteria: GeneDx Variant Classification Process June 2021. Collection method: clinical testing. Allele origin: germline. Affected: yes.
Comment: Identified in the heterozygous state in two individuals with suspected primary ciliary dyskinesia, but a second DNAH11 variant was not identified and one of these individuals was also found to have variants in another gene (PMID: 30300419, 31213628); Identified in a family with recurrent congenital heart disease; however, zygosity was not specified and a second variant in the DNAH11 gene was not identified (PMID: 32859249); In silico analysis supports that this missense variant has a deleterious effect on protein structure/function; This variant is associated with the following publications: (PMID: 31213628, 34768622, 32859249, 30300419)

Revvity Omics, Revvity
Classification: Uncertain significance for Primary ciliary dyskinesia 7. Last evaluated: 2025-02-12. Review status: criteria provided, single submitter. Criteria: ACMG Guidelines, 2015. Collection method: clinical testing. Allele origin: germline.

ARUP Laboratories, Molecular Genetics and Genomics, ARUP Laboratories
Classification: Likely benign for Primary ciliary dyskinesia 7. Last evaluated: 2024-12-27. Review status: criteria provided, single submitter. Criteria: ARUP Molecular Germline Variant Investigation Process 2024. Collection method: clinical testing. Allele origin: germline.

Blueprint Genetics
Classification: Likely benign. Last evaluated: 2024-11-21. Review status: criteria provided, single submitter. Criteria: ACMG Guidelines, 2015. Collection method: clinical testing. Allele origin: germline.

Mayo Clinic Laboratories, Mayo Clinic
Classification: Uncertain significance. Last evaluated: 2024-05-10. Review status: criteria provided, single submitter. Criteria: ACMG Guidelines, 2015. Collection method: clinical testing. Allele origin: germline. Observed: 1 variant allele.
Comment: BP4

Genetics and Molecular Pathology, SA Pathology
Classification: Uncertain significance for Primary ciliary dyskinesia 7. Last evaluated: 2020-01-06. Review status: criteria provided, single submitter. Criteria: ACMG Guidelines, 2015. Collection method: clinical testing. Allele origin: germline. Inheritance: Autosomal recessive inheritance. Affected: yes.

Literature cited by the submitters: PubMed 30300419 (cited by Mayo Clinic Laboratories, Mayo Clinic); PubMed 31213628 (cited by Mayo Clinic Laboratories, Mayo Clinic); PubMed 32859249 (cited by Mayo Clinic Laboratories, Mayo Clinic); PubMed 34768622 (cited by Mayo Clinic Laboratories, Mayo Clinic).

NM_001277115.2(DNAH11):c.8533C>G (p.Arg2845Gly)

Gene: DNAH11 (dynein axonemal heavy chain 11; plus strand). Cytogenetic location: 7p15.3.
Variant type: single nucleotide variant.
Coding change: c.8533C>G on transcript NM_001277115.2 (MANE Select); coding-DNA position 8533, C replaced by G.
Protein change: p.Arg2845Gly; replaces arginine 2845 with glycine.
Molecular consequence: missense variant.
Genome position (GRCh38, 1-based): chr7:21,748,602, C>G. VCF-style: chr7-21748602-C-G. GRCh37 (hg19) VCF-style: chr7-21788220-C-G.
Other names: p.Arg2845Gly; short protein forms R2845G.
Identifiers: ClinVar variation 359658 (VCV000359658.51), dbSNP rs121908854, ClinGen allele CA4181638.
Genomic context (GRCh38, chr7:21,748,602, plus strand): 5'-TTCGATTTTGTGCCATAATGGGCGCTTCCTTTCCTCAGGTGTCGCATCAGCCGGATCTTA[C>G]GAACCCCTCAGGGCTGTGCTCTCTTGGTTGGAGTTGGGGGCAGTGGCAAGCAGAGCTTGT-3'
Protein context (NP_001264044.1, residues 2835-2855): QHVCRISRIL[Arg2845Gly]TPQGCALLVG